The following is an entry in ClinVar:

ClinVar aggregate classification (germline): Uncertain significance. Review status: criteria provided, multiple submitters, no conflicts (2 of 4 stars). 2 submissions from 2 submitters: Uncertain significance (2). Last evaluated 2022-05-05.

Conditions:
Chédiak-Higashi syndrome (CHS). Also called: Chediak-Higashi Syndrome. Identifiers: Orphanet 167, MedGen C0007965, MONDO:0008963, OMIM 214500.

Allele frequency attached by ClinVar (database versions not stated): gnomAD 0.00001; ExAC 0.00002.
gnomAD v4.1: 8 of 1,613,644 alleles (0.0005%); highest among the groups gnomAD compares: Admixed American, 0.0017%; no homozygotes.

Submissions (2):

Labcorp Genetics (formerly Invitae), Labcorp
Classification: Uncertain significance for Chédiak-Higashi syndrome. Last evaluated: 2022-05-05. Review status: criteria provided, single submitter. Criteria: Invitae Variant Classification Sherloc (09022015). Collection method: clinical testing. Allele origin: germline.
Comment: This sequence change replaces tyrosine, which is neutral and polar, with cysteine, which is neutral and slightly polar, at codon 731 of the LYST protein (p.Tyr731Cys). This variant is present in population databases (rs773738216, gnomAD 0.002%). This variant has not been reported in the literature in individuals affected with LYST-related conditions. ClinVar contains an entry for this variant (Variation ID: 955370). Algorithms developed to predict the effect of missense changes on protein structure and function are either unavailable or do not agree on the potential impact of this missense change (SIFT: "Tolerated"; PolyPhen-2: "Probably Damaging"; Align-GVGD: "Class C0"). In summary, the available evidence is currently insufficient to determine the role of this variant in disease. Therefore, it has been classified as a Variant of Uncertain Significance.

Fulgent Genetics
Classification: Uncertain significance for Chédiak-Higashi syndrome. Last evaluated: 2021-07-07. Review status: criteria provided, single submitter. Criteria: ACMG Guidelines, 2015. Collection method: clinical testing. Allele origin: unknown.

NM_000081.4(LYST):c.2192A>G (p.Tyr731Cys)

Gene: LYST (lysosomal trafficking regulator; minus strand). Cytogenetic location: 1q42.3.
Variant type: single nucleotide variant.
Coding change: c.2192A>G on transcript NM_000081.4 (MANE Select); coding-DNA position 2192, A replaced by G.
Protein change: p.Tyr731Cys; replaces tyrosine 731 with cysteine.
Molecular consequence: missense variant.
Genome position (GRCh38, 1-based): chr1:235,808,626, T>C on the plus strand (A>G on the coding strand, the complement: LYST is on the minus strand). VCF-style: chr1-235808626-T-C. GRCh37 (hg19) VCF-style: chr1-235971926-T-C.
Other names: c.2192A>G, p.Tyr731Cys (NM_001301365.1); short protein forms Y731C.
Identifiers: ClinVar variation 955370 (VCV000955370.8), dbSNP rs773738216, ClinGen allele CA1467342.